The following is an entry in ClinVar:

NM_000548.5(TSC2):c.4380T>G (p.Gly1460=)

Gene: TSC2 (TSC complex subunit 2; plus strand). Cytogenetic location: 16p13.3.
Variant type: single nucleotide variant.
Coding change: c.4380T>G on transcript NM_000548.5 (MANE Select); coding-DNA position 4380, T replaced by G.
Protein change: p.Gly1460=; no amino-acid change (glycine 1460 retained).
Molecular consequence: synonymous variant.
Genome position (GRCh38, 1-based): chr16:2,084,602, T>G. VCF-style: chr16-2084602-T-G. GRCh37 (hg19) VCF-style: chr16-2134603-T-G.
Other names: c.4179T>G, p.Gly1393= (NM_001077183.3); c.4311T>G, p.Gly1437= (NM_001114382.3); c.4071T>G, p.Gly1357= (NM_001318827.2); c.4035T>G, p.Gly1345= (NM_001318829.2); c.3648T>G, p.Gly1216= (NM_001318831.2); c.4212T>G, p.Gly1404= (NM_001318832.2); c.4182T>G, p.Gly1394= (NM_001363528.2); c.4248T>G, p.Gly1416= (NM_001370404.1); and 1 more.
Identifiers: ClinVar variation 1057368 (VCV001057368.10), dbSNP rs2151534821, ClinGen allele CA493043505.

ClinVar aggregate classification (germline): Benign/Likely benign. Review status: criteria provided, multiple submitters, no conflicts (2 of 4 stars). 2 submissions from 2 submitters: Benign (1); Likely benign (1). Last evaluated 2025-12-10.

Conditions:
Tuberous sclerosis 2 (TSC2). Identifiers: Orphanet 805, MedGen C1860707, MONDO:0013199, OMIM 613254.

Submissions (2):

Labcorp Genetics (formerly Invitae), Labcorp
Classification: Likely benign for Tuberous sclerosis 2. Last evaluated: 2025-12-10. Review status: criteria provided, single submitter. Criteria: Invitae Variant Classification Sherloc (09022015). Collection method: clinical testing. Allele origin: germline.

Myriad Genetics, Inc.
Classification: Benign for Tuberous sclerosis 2. Last evaluated: 2025-06-03. Review status: criteria provided, single submitter. Criteria: Myriad Autosomal Dominant, Autosomal Recessive and X-Linked Classification Criteria (2023). Collection method: clinical testing. Allele origin: unknown.
Comment: This variant is considered benign. This variant is a silent/synonymous amino acid change and it is not expected to impact splicing.